The following is an entry in ClinVar:

NM_001379291.1(BRD4):c.2940CCAGCC[1] (p.981QP[1])

Gene: BRD4 (bromodomain containing 4; minus strand). Cytogenetic location: 19p13.12.
Variant type: Microsatellite.
Coding change: c.2940CCAGCC[1] on transcript NM_001379291.1 (MANE Select); one copy of the 6-base unit CCAGCC starting at c.2940; the reference has two copies in a row; one copy, 6 bases deleted.
Protein change: p.981QP[1].
Genome position (GRCh38, 1-based): chr19:15,243,118-15,243,123, GGCTGG deleted on the plus strand (CCAGCC on the coding strand, the reverse complement: BRD4 is on the minus strand); deleting any 6 consecutive bases within chr19:15,243,118-15,243,131 gives the same sequence; the position shown is the placement nearest the transcript's 3' end. VCF-style (leftmost placement, unchanged base first): chr19-15243117-AGGCTGG-A. GRCh37 (hg19) VCF-style: chr19-15353928-AGGCTGG-A.
Other names: c.2940CCAGCC[1], p.981QP[1] (NM_058243.3).
Identifiers: ClinVar variation 3676243 (VCV003676243.2).

ClinVar aggregate classification (germline): Uncertain significance (1 of 4 stars; one submission).

Submission:

Labcorp Genetics (formerly Invitae), Labcorp
Classification: Uncertain significance. Last evaluated: 2025-12-16. Review status: criteria provided, single submitter. Criteria: Invitae Variant Classification Sherloc (09022015). Collection method: clinical testing. Allele origin: germline.
Comment: This variant, c.2946_2951del, results in the deletion of 2 amino acid(s) of the BRD4 protein (p.Gln983_Pro984del), but otherwise preserves the integrity of the reading frame. This variant is not present in population databases (gnomAD no frequency). This variant has not been reported in the literature in individuals affected with BRD4-related conditions. Experimental studies and prediction algorithms are not available or were not evaluated, and the functional significance of this variant is currently unknown. In summary, the available evidence is currently insufficient to determine the role of this variant in disease. Therefore, it has been classified as a Variant of Uncertain Significance.